The following is an entry in ClinVar:

ClinVar aggregate classification (germline): Likely pathogenic (1 of 4 stars; one submission).

Conditions:
Severe intellectual disability-poor language-strabismus-grimacing face-long fingers syndrome (GAND). Also called: GAND SYNDROME. Identifiers: Orphanet 363686, MedGen C3554448, MONDO:0014034, OMIM 615074.

Submission:

Division of Genetic & Genomic Pathology, Hong Kong Children's Hospital
Classification: Likely pathogenic for Severe intellectual disability-poor language-strabismus-grimacing face-long fingers syndrome. Last evaluated: 2024-09-16. Review status: criteria provided, single submitter. Criteria: ACMG Guidelines, 2015. Collection method: clinical testing. Allele origin: germline. Affected: yes.
Comment: GATAD2B c.1414dup p.(Glu472Glyfs*5) is a novel frameshift variant located in exon 8 (out of 11 exons) in the conserved region domain 2 of the gene. It is predicted to cause loss of normal protein function either by protein truncation or nonsense-mediated mRNA decay, and GATAD2B is curated as a gene with sufficient evidence for haploinsufficiency in ClinGen. This variant is absent in population databases (gnomAD v2.1.1 and gnomAD v4.1.0). It has not been reported in ClinVar or Human Gene Mutation Database (HGMD, v2024.2). For these reasons, this variant is classified as likely pathogenic.

NM_020699.4(GATAD2B):c.1414dup (p.Glu472fs)

Gene: GATAD2B (GATA zinc finger domain containing 2B; minus strand). Cytogenetic location: 1q21.3.
Variant type: Duplication.
Coding change: c.1414dup on transcript NM_020699.4 (MANE Select); coding-DNA position 1414, one base duplicated (G; older notation c.1414dupG).
Protein change: p.Glu472fs; shifts the reading frame from glutamic acid 472.
Molecular consequence: frameshift variant.
Genome position (GRCh38, 1-based): chr1:153,813,255, C duplicated on the plus strand (G on the coding strand, the reverse complement: GATAD2B is on the minus strand); the first of 2 consecutive C bases (chr1:153,813,255-153,813,256); duplicating either gives the same sequence. VCF-style (leftmost placement, unchanged base first): chr1-153813254-T-TC. GRCh37 (hg19) VCF-style: chr1-153785730-T-TC.
Other names: short protein forms E472fs.
Identifiers: ClinVar variation 4884420 (VCV004884420.1).